The following is an entry in ClinVar:

NM_000032.5(ALAS2):c.1737del (p.Gln581fs)

Gene: ALAS2 (5'-aminolevulinate synthase 2; minus strand). Cytogenetic location: Xp11.21.
Variant type: Deletion.
Coding change: c.1737del on transcript NM_000032.5 (MANE Select); coding-DNA position 1737, one base deleted (G; older notation c.1737delG).
Protein change: p.Gln581fs; shifts the reading frame from glutamine 581.
Molecular consequence: frameshift variant.
Genome position (GRCh38, 1-based): chrX:55,009,207, C deleted on the plus strand (G on the coding strand, the reverse complement: ALAS2 is on the minus strand); the first of 4 consecutive C bases (chrX:55,009,207-55,009,210); deleting any one gives the same sequence. VCF-style (leftmost placement, unchanged base first): chrX-55009206-GC-G. GRCh37 (hg19) VCF-style: chrX-55035639-GC-G.
Other names: c.1626del, p.Gln544fs (NM_001037967.4); c.1698del, p.Gln568fs (NM_001037968.4); short protein forms Q544fs, Q568fs, Q581fs.
Identifiers: ClinVar variation 4540228 (VCV004540228.2).

ClinVar aggregate classification (germline): Conflicting classifications of pathogenicity. Review status: criteria provided, conflicting classifications (1 of 4 stars). 2 submissions from 2 submitters: Likely pathogenic (1); Uncertain significance (1). Last evaluated 2025-08-11.

Submissions (2):

Labcorp Genetics (formerly Invitae), Labcorp
Classification: Uncertain significance. Last evaluated: 2025-08-11. Review status: criteria provided, single submitter. Criteria: Invitae Variant Classification Sherloc (09022015). Collection method: clinical testing. Allele origin: germline.
Comment: This sequence change is expected to alter the c-terminus of the ALAS2 protein (p.Gln581Serfs*13). While this is not anticipated to result in nonsense mediated decay, it is expected to disrupt the last 7 amino acid(s) of the ALAS2 protein and extend the protein by 5 additional amino acid residues. This variant is not present in population databases (gnomAD no frequency). This frameshift has been observed in individual(s) with X-linked protoporphyria (PMID: 23364466; internal data). Algorithms developed to predict the effect of variants on gene product structure and function are not available or were not evaluated for this variant. Experimental studies have shown that this frameshift affects ALAS2 function (PMID: 23348515). In summary, the available evidence is currently insufficient to determine the role of this variant in disease. Therefore, it has been classified as a Variant of Uncertain Significance.

GeneDx
Classification: Likely pathogenic. Last evaluated: 2025-06-24. Review status: criteria provided, single submitter. Criteria: GeneDx Variant Classification Process June 2021. Collection method: clinical testing. Allele origin: germline. Affected: yes.
Comment: Published functional studies found this variant is associated with increased protein expression and resistance to proteolysis supporting a gain-of-function effect (PMID: 23348515); Frameshift variant predicted to result in abnormal protein length as the last 7 amino acid(s) are replaced with 12 different amino acid(s); Not observed at significant frequency in large population cohorts (gnomAD); Also known as c.1734delG; This variant is associated with the following publications: (PMID: 23348515, 23364466)

Literature cited by the submitters: PubMed 23364466 (cited by Labcorp Genetics (formerly Invitae), Labcorp); PubMed 23348515 (cited by Labcorp Genetics (formerly Invitae), Labcorp).